The following is an entry in ClinVar:

NM_022455.5(NSD1):c.5824_5828del (p.Pro1942fs)

Gene: NSD1 (nuclear receptor binding SET domain protein 1; plus strand). Cytogenetic location: 5q35.3.
Variant type: Deletion.
Coding change: c.5824_5828del on transcript NM_022455.5 (MANE Select); coding-DNA positions 5824 to 5828, 5 bases deleted (CCAGA; older notation c.5824_5828delCCAGA).
Protein change: p.Pro1942fs; shifts the reading frame from proline 1942.
Molecular consequence: frameshift variant.
Genome position (GRCh38, 1-based): chr5:177,280,766-177,280,770, CCAGA deleted. VCF-style (leftmost placement, unchanged base first): chr5-177280765-TCCAGA-T. GRCh37 (hg19) VCF-style: chr5-176707766-TCCAGA-T.
Other names: c.4951_4955delCCAGA, p.Pro1651Glyfs (NM_001365684.2, NM_001409308.1, NM_001409309.1 and 1 more transcripts); c.5824_5828delCCAGA, p.Pro1942Glyfs (NM_001409301.1, NM_001409302.1, NM_001409303.1); c.5404_5408delCCAGA, p.Pro1802Glyfs (NM_001409304.1); c.5071_5075delCCAGA, p.Pro1691Glyfs (NM_001409305.1); c.5062_5066delCCAGA, p.Pro1688Glyfs (NM_001409306.1, NM_001409307.1); short protein forms P1673fs, P1942fs.
Identifiers: ClinVar variation 1299651 (VCV001299651.2), dbSNP rs2127257484, ClinGen allele CA2499217786.

ClinVar aggregate classification (germline): Pathogenic (1 of 4 stars; one submission).

Conditions:
Sotos syndrome (SOTOS). Also called: CHROMOSOME 5q35 DELETION SYNDROME; SOTOS SYNDROME 1; Distinctive facial appearance, overgrowth in childhood, and learning disabilities or delayed development; CEREBRAL GIGANTISM; Sotos' syndrome. Identifiers: Orphanet 821, MedGen C0175695, MONDO:0019349, OMIM 117550.

Submission:

Laboratory of Medical Genetics, National & Kapodistrian University of Athens
Classification: Pathogenic for Sotos syndrome. Last evaluated: 2021-10-01. Review status: criteria provided, single submitter. Criteria: ACMG Guidelines, 2015. Collection method: clinical testing. Allele origin: unknown. Affected: yes.
Comment: PVS1, PM1, PM2, PP3

Literature cited by the submitters: PubMed 34008892.